The following is an entry in ClinVar:

NM_004360.5(CDH1):c.1605del (p.Asn536fs)

Gene: CDH1 (cadherin 1; plus strand). Cytogenetic location: 16q22.1.
Variant type: Deletion.
Coding change: c.1605del on transcript NM_004360.5 (MANE Select); coding-DNA position 1605, one base deleted (T; older notation c.1605delT).
Protein change: p.Asn536fs; shifts the reading frame from asparagine 536.
Molecular consequence: frameshift variant. On other transcripts: intron variant (1).
Genome position (GRCh38, 1-based): chr16:68,819,319, T deleted; the last of 2 consecutive T bases (chr16:68,819,318-68,819,319); deleting either gives the same sequence. VCF-style (leftmost placement, unchanged base first): chr16-68819317-AT-A. GRCh37 (hg19) VCF-style: chr16-68853220-AT-A.
Other names: c.1422del, p.Asn475fs (NM_001317184.2); c.57del, p.Asn20fs (NM_001317185.2); c.-254-2682del (NM_001317186.2); c.1605delT (NM_004360.3); short protein forms N20fs, N475fs, N536fs.
Identifiers: ClinVar variation 643679 (VCV000643679.16), dbSNP rs1596960393, ClinGen allele CA915949314.
Genomic context (GRCh38, chr16:68,819,317, plus strand): 5'-AGCCAGAGCTTGTCCCCGTTCAGATATCGGATTTGGAGAGACACTGCCAACTGGCTGGAG[AT>A]TAATCCGGACACTGGTGCCATTTCCACTCGGGCTGAGCTGGACAGGGAGGATTTTGAGCA-3'

ClinVar aggregate classification (germline): Pathogenic. Review status: criteria provided, multiple submitters, no conflicts (2 of 4 stars). 5 submissions from 5 submitters: Pathogenic (5). Last evaluated 2025-10-16.

Conditions:
Hereditary cancer-predisposing syndrome. Also called: Neoplastic Syndromes, Hereditary; Hereditary Cancer Syndrome; Hereditary neoplastic syndrome; Tumor predisposition. Identifiers: Orphanet 140162, MedGen C0027672, MeSH D009386, MONDO:0015356.
Hereditary diffuse gastric adenocarcinoma (HDGC). Also called: DIFFUSE GASTRIC AND LOBULAR BREAST CANCER SYNDROME. Identifiers: Orphanet 26106, MedGen C1708349, MONDO:0007648, OMIM 137215.

Submissions (5):

Quest Diagnostics Nichols Institute San Juan Capistrano
Classification: Pathogenic. Last evaluated: 2025-10-16. Review status: criteria provided, single submitter. Criteria: Quest Diagnostics criteria. Collection method: clinical testing. Allele origin: unknown.
Comment: The CDH1 c.1605del (p.Asn536Ilefs*21) variant alters the translational reading frame of the CDH1 mRNA and causes the premature termination of CDH1 protein synthesis. This variant has been reported in the published literature in an individual with gastric cancer (PMID: 34949788 (2022)). This variant has not been reported in large, multi-ethnic general populations (Genome Aggregation Database). Based on the available information, this variant is classified as pathogenic.

Myriad Genetics, Inc.
Classification: Pathogenic for Hereditary diffuse gastric adenocarcinoma. Last evaluated: 2023-06-14. Review status: criteria provided, single submitter. Criteria: Myriad Autosomal Dominant, Autosomal Recessive and X-Linked Classification Criteria (2023). Collection method: clinical testing. Allele origin: unknown.
Comment: This variant is considered pathogenic. This variant creates a frameshift predicted to result in premature protein truncation.

Color Diagnostics, LLC DBA Color Health
Classification: Pathogenic for Hereditary cancer-predisposing syndrome. Last evaluated: 2021-08-30. Review status: criteria provided, single submitter. Criteria: ACMG Guidelines, 2015. Collection method: clinical testing. Allele origin: germline.
Comment: This variant deletes 1 nucleotide in exon 11 of the CDH1 gene, creating a frameshift and premature translation stop signal. This variant is expected to result in an absent or non-functional protein product. To our knowledge, this variant has not been reported in individuals affected with hereditary cancer in the literature. This variant has not been identified in the general population by the Genome Aggregation Database (gnomAD). Loss of CDH1 function is a known mechanism of disease. Based on the available evidence, this variant is classified as Pathogenic.

Labcorp Genetics (formerly Invitae), Labcorp
Classification: Pathogenic for Hereditary diffuse gastric adenocarcinoma. Last evaluated: 2021-02-15. Review status: criteria provided, single submitter. Criteria: Invitae Variant Classification Sherloc (09022015). Collection method: clinical testing. Allele origin: germline.
Comment: For these reasons, this variant has been classified as Pathogenic. Loss-of-function variants in CDH1 are known to be pathogenic (PMID: 15235021, 20373070). This variant has not been reported in the literature in individuals with CDH1-related disease. This variant is not present in population databases (ExAC no frequency). This sequence change creates a premature translational stop signal (p.Asn536Ilefs*21) in the CDH1 gene. It is expected to result in an absent or disrupted protein product.

Ambry Genetics
Classification: Pathogenic for Hereditary cancer-predisposing syndrome. Last evaluated: 2019-03-27. Review status: criteria provided, single submitter. Criteria: Ambry Variant Classification Scheme 2023. Collection method: clinical testing. Allele origin: germline.
Comment: The c.1605delT pathogenic mutation, located in coding exon 11 of the CDH1 gene, results from a deletion of one nucleotide at nucleotide position 1605, causing a translational frameshift with a predicted alternate stop codon (p.N536Ifs*21). This alteration is expected to result in loss of function by premature protein truncation or nonsense-mediated mRNA decay. As such, this alteration is interpreted as a disease-causing mutation.

Literature cited by the submitters: PubMed 34949788 (cited by Quest Diagnostics Nichols Institute San Juan Capistrano); PubMed 15235021 (cited by Labcorp Genetics (formerly Invitae), Labcorp); PubMed 20373070 (cited by Labcorp Genetics (formerly Invitae), Labcorp).